The following is an entry in ClinVar:

ClinVar aggregate classification (germline): Uncertain significance (1 of 4 stars; one submission).

Conditions:
ATP8B1-related disorder. Also called: ATP8B1-related disorders; ATP8B1-related condition.

gnomAD v4.1: 53 of 1,561,720 alleles (0.0034%); highest among the groups gnomAD compares: Non-Finnish European, 0.0043%; no homozygotes.

Submission:

PreventionGenetics, part of Exact Sciences
Classification: Uncertain significance for ATP8B1-related condition. Last evaluated: 2026-06-10. Review status: criteria provided, single submitter. Criteria: ACMG Guidelines, 2015. Collection method: clinical testing. Allele origin: germline.
Comment: The ATP8B1 c.3560C>A variant is predicted to result in the amino acid substitution p.Ala1187Glu. To our knowledge, this variant has not been reported in the literature. This variant is reported in 0.0% of alleles in individuals of African descent in gnomAD. At this time, the clinical significance of this variant is uncertain due to the absence of conclusive functional and genetic evidence.

NM_001374385.1(ATP8B1):c.3560C>A (p.Ala1187Glu)

Genes: ATP8B1 (ATPase phospholipid transporting 8B1; minus strand), ATP8B1-AS1 (ATP8B1 antisense RNA 1; plus strand). Cytogenetic location: 18q21.31.
Variant type: single nucleotide variant.
Coding change: c.3560C>A on transcript NM_001374385.1 (MANE Select); coding-DNA position 3560, C replaced by A.
Protein change: p.Ala1187Glu; replaces alanine 1187 with glutamic acid.
Molecular consequence: missense variant.
Genome position (GRCh38, 1-based): chr18:57,648,684, G>T on the plus strand (C>A on the coding strand, the complement: ATP8B1 is on the minus strand). VCF-style: chr18-57648684-G-T. GRCh37 (hg19) VCF-style: chr18-55315916-G-T.
Other names: c.3410C>A, p.Ala1137Glu (NM_001374386.1); c.3560C>A, p.Ala1187Glu (NM_005603.6); short protein forms A1137E, A1187E.
Identifiers: ClinVar variation 4989775 (VCV004989775.1).